The following is an entry in ClinVar:

NM_033225.6(CSMD1):c.9311A>G (p.Gln3104Arg)

Genes: CSMD1 (CUB and Sushi multiple domains 1; minus strand), LOC105377785 (uncharacterized LOC105377785; plus strand). Cytogenetic location: 8p23.2.
Variant type: single nucleotide variant.
Coding change: c.9311A>G on transcript NM_033225.6 (MANE Select); coding-DNA position 9311, A replaced by G.
Protein change: p.Gln3104Arg; replaces glutamine 3104 with arginine.
Molecular consequence: missense variant.
Genome position (GRCh38, 1-based): chr8:2,963,365, T>C on the plus strand (A>G on the coding strand, the complement: CSMD1 is on the minus strand). VCF-style: chr8-2963365-T-C. GRCh37 (hg19) VCF-style: chr8-2820887-T-C.
Other names: short protein forms Q3104R.
Identifiers: ClinVar variation 2637321 (VCV002637321.1), dbSNP rs1803671608, ClinGen allele CA369970251.

ClinVar aggregate classification (germline): Uncertain significance (1 of 4 stars; one submission).

Conditions:
CSMD1-related disorder. Also called: CSMD1-related condition.

Allele frequency attached by ClinVar (database versions not stated): gnomAD exomes below 0.00001.
gnomAD v4.1: 4 of 1,613,946 alleles (0.00025%); highest among the groups gnomAD compares: Non-Finnish European, 0.00034%; no homozygotes.

Submission:

PreventionGenetics, part of Exact Sciences
Classification: Uncertain significance for CSMD1-related condition. Last evaluated: 2022-12-22. Review status: criteria provided, single submitter. Criteria: ACMG Guidelines, 2015. Collection method: clinical testing. Allele origin: germline.
Comment: The CSMD1 c.9311A>G variant is predicted to result in the amino acid substitution p.Gln3104Arg. To our knowledge, this variant has not been reported in the literature or in a large population database, indicating this variant is rare. At this time, the clinical significance of this variant is uncertain due to the absence of conclusive functional and genetic evidence.